The following is an entry in ClinVar:

NM_003079.5(SMARCE1):c.279G>T (p.Leu93Phe)

Gene: SMARCE1 (SWI/SNF related BAF chromatin remodeling complex subunit E1; minus strand). Cytogenetic location: 17q21.2.
Variant type: single nucleotide variant.
Coding change: c.279G>T on transcript NM_003079.5 (MANE Select); coding-DNA position 279, G replaced by T.
Protein change: p.Leu93Phe; replaces leucine 93 with phenylalanine.
Molecular consequence: missense variant.
Genome position (GRCh38, 1-based): chr17:40,636,485, C>A on the plus strand (G>T on the coding strand, the complement: SMARCE1 is on the minus strand). VCF-style: chr17-40636485-C-A. GRCh37 (hg19) VCF-style: chr17-38792737-C-A.
Other names: short protein forms L93F.
Identifiers: ClinVar variation 970593 (VCV000970593.9), dbSNP rs2037147129, ClinGen allele CA399367422.
Genomic context (GRCh38, chr17:40,636,485, plus strand): 5'-TTGTTTTTCTTCATCAGTGAGATCTCGCCACATGCCACCAATAATCTTGCCAATCTCCCA[C>A]AACTTTAGGTCAGGGTTGGAAGCCTTTACTTGGTCCCAGACCTTAAAAAGAAAACAGATG-3'
Protein context (NP_003070.3, residues 83-103): QVKASNPDLK[Leu93Phe]WEIGKIIGGM

ClinVar aggregate classification (germline): Uncertain significance (1 of 4 stars; one submission).

Conditions:
Familial meningioma. Also called: Meningioma, familial, susceptibility to. Identifiers: Orphanet 263662, MedGen C3551915, MONDO:0011789, OMIM 607174.

Submission:

Labcorp Genetics (formerly Invitae), Labcorp
Classification: Uncertain significance for Familial meningioma. Last evaluated: 2019-11-13. Review status: criteria provided, single submitter. Criteria: Invitae Variant Classification Sherloc (09022015). Collection method: clinical testing. Allele origin: germline.
Comment: In summary, the available evidence is currently insufficient to determine the role of this variant in disease. Therefore, it has been classified as a Variant of Uncertain Significance. Algorithms developed to predict the effect of missense changes on protein structure and function are either unavailable or do not agree on the potential impact of this missense change (SIFT: "Deleterious"; PolyPhen-2: "Possibly Damaging"; Align-GVGD: "Class C0"). This variant has not been reported in the literature in individuals with SMARCE1-related conditions. This variant is not present in population databases (ExAC no frequency). This sequence change replaces leucine with phenylalanine at codon 93 of the SMARCE1 protein (p.Leu93Phe). The leucine residue is highly conserved and there is a small physicochemical difference between leucine and phenylalanine.